The following is an entry in ClinVar:

NM_001386393.1(PANK2):c.1139C>T (p.Ala380Val)

Gene: PANK2 (pantothenate kinase 2; plus strand). Cytogenetic location: 20p13.
Variant type: single nucleotide variant.
Coding change: c.1139C>T on transcript NM_001386393.1 (MANE Select); coding-DNA position 1139, C replaced by T.
Protein change: p.Ala380Val; replaces alanine 380 with valine.
Molecular consequence: missense variant. On other transcripts: non-coding transcript variant (1).
Genome position (GRCh38, 1-based): chr20:3,916,983, C>T. VCF-style: chr20-3916983-C-T. GRCh37 (hg19) VCF-style: chr20-3897630-C-T.
Other names: c.596C>T, p.Ala199Val (NM_001324191.2, NM_024960.6, NM_153640.4); c.161C>T, p.Ala54Val (NM_001324193.2); c.1469C>T, p.Ala490Val (NM_153638.4); short protein forms A380V, A54V, A199V, A490V.
Identifiers: ClinVar variation 2736942 (VCV002736942.3), dbSNP rs2090571332, ClinGen allele CA408119348.
Genomic context (GRCh38, chr20:3,916,983, plus strand): 5'-ACAGCTTTGGAAACATGATGAGCAAGGAGAAGCGAGAGGCTGTCAGTAAAGAGGACCTGG[C>T]CAGAGCGACTTTGATCACCATCACCAACAACATTGGCTCAATAGCAAGAATGTGTGCCCT-3'
Protein context (NP_001373322.1, residues 370-390): KREAVSKEDL[Ala380Val]RATLITITNN

ClinVar aggregate classification (germline): Likely pathogenic (1 of 4 stars; one submission).

Conditions:
Pigmentary pallidal degeneration (NBIA1). Also called: Neurodegeneration with brain iron accumulation 1; HARP SYNDROME; PKAN NEUROAXONAL DYSTROPHY, JUVENILE-ONSET; Pantothenate Kinase-Associated Neurodegeneration; Neuroaxonal dystrophy, late infantile; Hallervorden-Spatz disease. Identifiers: Orphanet 157850, MedGen C0018523, MONDO:0009319, OMIM 234200.

Submission:

Labcorp Genetics (formerly Invitae), Labcorp
Classification: Likely pathogenic for Pigmentary pallidal degeneration. Last evaluated: 2023-12-26. Review status: criteria provided, single submitter. Criteria: Invitae Variant Classification Sherloc (09022015). Collection method: clinical testing. Allele origin: germline.
Comment: This sequence change replaces alanine, which is neutral and non-polar, with valine, which is neutral and non-polar, at codon 490 of the PANK2 protein (p.Ala490Val). This variant is not present in population databases (gnomAD no frequency). This missense change has been observed in individual(s) with pantothenate kinase-associated neurodegeneration (PMID: 28881514). In at least one individual the data is consistent with being in trans (on the opposite chromosome) from a pathogenic variant. Advanced modeling of protein sequence and biophysical properties (such as structural, functional, and spatial information, amino acid conservation, physicochemical variation, residue mobility, and thermodynamic stability) performed at Invitae indicates that this missense variant is expected to disrupt PANK2 protein function with a positive predictive value of 95%. In summary, the currently available evidence indicates that the variant is pathogenic, but additional data are needed to prove that conclusively. Therefore, this variant has been classified as Likely Pathogenic.

Literature cited by the submitters: PubMed 28881514.